The following is an entry in ClinVar:

ClinVar aggregate classification (germline): Likely benign. Review status: criteria provided, multiple submitters, no conflicts (2 of 4 stars). 2 submissions from 2 submitters: Likely benign (2). Last evaluated 2025-08-22.

Conditions:
Rhabdoid tumor predisposition syndrome 2 (RTPS2). Identifiers: Orphanet 231108, Orphanet 69077, MedGen C2750074, MONDO:0013224, OMIM 613325.

gnomAD v4.1: 1 of 1,613,968 alleles (0.000062%); highest among the groups gnomAD compares: Non-Finnish European, 0.000085%; no homozygotes.

Submissions (2):

Labcorp Genetics (formerly Invitae), Labcorp
Classification: Likely benign for Rhabdoid tumor predisposition syndrome 2. Last evaluated: 2025-08-22. Review status: criteria provided, single submitter. Criteria: Invitae Variant Classification Sherloc (09022015). Collection method: clinical testing. Allele origin: germline.

CeGaT Center for Human Genetics Tuebingen
Classification: Likely benign. Last evaluated: 2025-08-01. Review status: criteria provided, single submitter. Criteria: CeGaT Center For Human Genetics Tuebingen Variant Classification Criteria Version 2. Collection method: clinical testing. Allele origin: germline. Affected: yes. Observed: 1 variant allele.
Comment: SMARCA4: BP4, BP7

NM_003072.5(SMARCA4):c.1296A>G (p.Thr432=)

Gene: SMARCA4 (SWI/SNF related BAF chromatin remodeling complex subunit ATPase 4; plus strand). Cytogenetic location: 19p13.2.
Variant type: single nucleotide variant.
Coding change: c.1296A>G on transcript NM_003072.5 (MANE Select); coding-DNA position 1296, A replaced by G.
Protein change: p.Thr432=; no amino-acid change (threonine 432 retained).
Molecular consequence: synonymous variant. On other transcripts: non-coding transcript variant (1).
Genome position (GRCh38, 1-based): chr19:10,991,200, A>G. VCF-style: chr19-10991200-A-G. GRCh37 (hg19) VCF-style: chr19-11101876-A-G.
Other names: c.1296A>G, p.Thr432= (NM_001128844.3, NM_001128845.2, NM_001128846.2 and 6 more transcripts).
Identifiers: ClinVar variation 4084814 (VCV004084814.9).